The following is an entry in ClinVar:

NM_001371928.1(AHDC1):c.994C>T (p.Gln332Ter)

Gene: AHDC1 (AT-hook DNA binding motif containing 1; minus strand). Cytogenetic location: 1p36.11.
Variant type: single nucleotide variant.
Coding change: c.994C>T on transcript NM_001371928.1 (MANE Select); coding-DNA position 994, C replaced by T.
Protein change: p.Gln332Ter; replaces glutamine 332 with a stop codon.
Molecular consequence: nonsense.
Genome position (GRCh38, 1-based): chr1:27,551,122, G>A on the plus strand (C>T on the coding strand, the complement: AHDC1 is on the minus strand). VCF-style: chr1-27551122-G-A. GRCh37 (hg19) VCF-style: chr1-27877633-G-A.
Other names: p.Gln332Ter; c.994C>T, p.Gln332Ter (NM_001029882.3); c.994C>T (NM_001029882.2); short protein forms Q332*.
Identifiers: ClinVar variation 800800 (VCV000800800.5), dbSNP rs1571242220, ClinGen allele CA339235588.

ClinVar aggregate classification (germline): Pathogenic. Review status: criteria provided, multiple submitters, no conflicts (2 of 4 stars). 4 submissions from 4 submitters: Pathogenic (3). 1 of the submissions does not count toward it. Last evaluated 2023-11-15.

Conditions:
AHDC1-related disorder. Also called: AHDC1-related condition.
AHDC1-related intellectual disability - obstructive sleep apnea - mild dysmorphism syndrome. Also called: Xia-Gibbs syndrome. Identifiers: Orphanet 412069, MedGen C4014419, MONDO:0014358, OMIM 615829.

Submissions (4):

GeneDx
Classification: Pathogenic. Last evaluated: 2023-11-15. Review status: criteria provided, single submitter. Criteria: GeneDx Variant Classification Process June 2021. Collection method: clinical testing. Allele origin: germline. Affected: yes.
Comment: Nonsense variant predicted to result in protein truncation in a gene for which loss of function is a known mechanism of disease; Not observed at significant frequency in large population cohorts (gnomAD); This variant is associated with the following publications: (PMID: 35597848)

Blueprint Genetics
Classification: Pathogenic for AHDC1-related disorders. Last evaluated: 2021-12-31. Review status: criteria provided, single submitter. Criteria: ACMG Guidelines, 2015. Collection method: clinical testing. Allele origin: germline. Affected: yes. Observed: 1 variant allele.

Laboratory of Human Genetics, Universidade de São Paulo
Classification: Pathogenic for AHDC1-related intellectual disability - obstructive sleep apnea - mild dysmorphism syndrome. Last evaluated: 2019-04-09. Review status: criteria provided, single submitter. Criteria: ACMG Guidelines, 2015. Collection method: research. Allele origin: de novo. Inheritance: Autosomal dominant inheritance. Affected: yes. Observed: 1 heterozygote.
Comment: ACMG: PVS1, PS2, PM2, PP3, and PP5

Biochemical Molecular Genetic Laboratory, King Abdulaziz Medical City
Classification: Likely pathogenic for AHDC1-related intellectual disability - obstructive sleep apnea - mild dysmorphism syndrome. Last evaluated: 2019-08-25. Review status: no assertion criteria provided. Collection method: clinical testing. Allele origin: germline. Affected: yes. Not counted in ClinVar's aggregate classification.

Literature cited by the submitters: PubMed 4067559 (cited by Laboratory of Human Genetics, Universidade de São Paulo).